The following is an entry in ClinVar:

NM_003835.4(RGS9):c.1949C>G (p.Ser650Trp)

Gene: RGS9 (regulator of G protein signaling 9; plus strand). Cytogenetic location: 17q24.1.
Variant type: single nucleotide variant.
Coding change: c.1949C>G on transcript NM_003835.4 (MANE Select); coding-DNA position 1949, C replaced by G.
Protein change: p.Ser650Trp; replaces serine 650 with tryptophan.
Molecular consequence: missense variant.
Genome position (GRCh38, 1-based): chr17:65,227,331, C>G. VCF-style: chr17-65227331-C-G. GRCh37 (hg19) VCF-style: chr17-63223449-C-G.
Other names: c.1940C>G, p.Ser647Trp (NM_001081955.3); short protein forms S647W, S650W.
Identifiers: ClinVar variation 1036194 (VCV001036194.8), dbSNP rs777153725, ClinGen allele CA8718215.

ClinVar aggregate classification (germline): Uncertain significance (1 of 4 stars; one submission).

Allele frequency attached by ClinVar (database versions not stated): TOPMed 0.00003; gnomAD 0.00004.
gnomAD v4.1: 24 of 1,614,002 alleles (0.0015%); highest among the groups gnomAD compares: South Asian, 0.0099%; no homozygotes.

Submission:

Labcorp Genetics (formerly Invitae), Labcorp
Classification: Uncertain significance. Last evaluated: 2022-10-13. Review status: criteria provided, single submitter. Criteria: Invitae Variant Classification Sherloc (09022015). Collection method: clinical testing. Allele origin: germline.
Comment: Algorithms developed to predict the effect of missense changes on protein structure and function are either unavailable or do not agree on the potential impact of this missense change (SIFT: "Deleterious"; PolyPhen-2: "Possibly Damaging"; Align-GVGD: "Class C15"). ClinVar contains an entry for this variant (Variation ID: 1036194). This variant has not been reported in the literature in individuals affected with RGS9-related conditions. This variant is present in population databases (rs777153725, gnomAD 0.01%). In summary, the available evidence is currently insufficient to determine the role of this variant in disease. Therefore, it has been classified as a Variant of Uncertain Significance. Algorithms developed to predict the effect of sequence changes on RNA splicing suggest that this variant may disrupt the consensus splice site. This sequence change replaces serine, which is neutral and polar, with tryptophan, which is neutral and slightly polar, at codon 650 of the RGS9 protein (p.Ser650Trp).